The following is an entry in ClinVar:

NM_001672.3(ASIP):c.344_376del (p.Gln115_Cys125del)

Genes: AHCY (adenosylhomocysteinase; minus strand), ASIP (agouti signaling protein; plus strand). Cytogenetic location: 20q11.22.
Variant type: Deletion.
Coding change: c.344_376del on transcript NM_001672.3 (MANE Select); coding-DNA positions 344 to 376, 33 bases deleted.
Protein change: p.Gln115_Cys125del.
Molecular consequence: inframe deletion.
Genome position (GRCh38, 1-based): chr20:34,269,112-34,269,144, 33 bases deleted; deleting any 33 consecutive bases within chr20:34,269,104-34,269,144 gives the same sequence; the c. name uses the placement nearest the transcript's 3' end. GRCh37 (hg19): chr20:32,856,918-32,856,950.
Other names: c.344_376del, p.Gln115_Cys125del (NM_001385218.1).
Identifiers: ClinVar variation 5001223 (VCV005001223.1).

ClinVar aggregate classification (germline): Uncertain significance (1 of 4 stars; one submission).

Conditions:
ASIP-related condition.

Submission:

PreventionGenetics, part of Exact Sciences
Classification: Uncertain significance for ASIP-related condition. Last evaluated: 2025-06-24. Review status: criteria provided, single submitter. Criteria: ACMG Guidelines, 2015. Collection method: clinical testing. Allele origin: germline.
Comment: The ASIP c.344_376del33 variant is predicted to result in an in-frame deletion (p.Gln115_Cys125del). To our knowledge, this variant has not been reported in the literature or in a large population database (gnomAD), indicating this variant is rare. At this time, the clinical significance of this variant is uncertain due to the absence of conclusive functional and genetic evidence.